The following is an entry in ClinVar:

NM_000834.5(GRIN2B):c.36C>A (p.Phe12Leu)

Gene: GRIN2B (glutamate ionotropic receptor NMDA type subunit 2B; minus strand). Cytogenetic location: 12p13.1.
Variant type: single nucleotide variant.
Coding change: c.36C>A on transcript NM_000834.5 (MANE Select); coding-DNA position 36, C replaced by A.
Protein change: p.Phe12Leu; replaces phenylalanine 12 with leucine.
Molecular consequence: missense variant.
Genome position (GRCh38, 1-based): chr12:13,866,173, G>T on the plus strand (C>A on the coding strand, the complement: GRIN2B is on the minus strand). VCF-style: chr12-13866173-G-T. GRCh37 (hg19) VCF-style: chr12-14019107-G-T.
Other names: short protein forms F12L.
Identifiers: ClinVar variation 423644 (VCV000423644.2), dbSNP rs752668123, ClinGen allele CA16619495.

ClinVar aggregate classification (germline): Uncertain significance (1 of 4 stars; one submission).

Allele frequency attached by ClinVar (database versions not stated): gnomAD 0.00001.

Submission:

GeneDx
Classification: Uncertain significance. Last evaluated: 2017-02-24. Review status: criteria provided, single submitter. Criteria: GeneDx Variant Classification (06012015). Collection method: clinical testing. Allele origin: germline. Affected: yes.
Comment: The F12L variant in the GRIN2B gene has not been reported previously as a pathogenic variant, nor as a benign variant, to our knowledge. The F12L variant is not observed in large population cohorts (Lek et al., 2016; 1000 Genomes Consortium et al., 2015; Exome Variant Server). The F12L variant is a conservative amino acid substitution, which is not likely to impact secondary protein structure as these residues share similar properties. This substitution occurs at a position that is conserved in mammals. In silico analysis is inconsistent in its predictions as to whether or not the variant is damaging to the protein structure/function. We interpret F12L as a variant of uncertain significance.